The following is an entry in ClinVar:

NM_002693.3(POLG):c.158_159insGCAAC (p.Gln55fs)

Genes: POLG (DNA polymerase gamma, catalytic subunit; minus strand), POLGARF (POLG alternative reading frame; minus strand). Cytogenetic location: 15q26.1.
Variant type: Insertion.
Coding change: c.158_159insGCAAC on transcript NM_002693.3 (MANE Select); coding-DNA positions 158 to 159, GCAAC inserted.
Protein change: p.Gln55fs; shifts the reading frame from glutamine 55.
Molecular consequence: frameshift variant.
Genome position: GRCh38 VCF-style: chr15-89333596-T-TGTTGC. GRCh37 (hg19) VCF-style: chr15-89876827-T-TGTTGC.
Other names: c.213_214insGCAAC, p.Thr72fs (NM_001430120.1); c.158_159insGCAAC, p.Gln55fs (NM_001126131.2); short protein forms Q55fs, T72fs.
Identifiers: ClinVar variation 5016033 (VCV005016033.1).
Genomic context (GRCh38, chr15:89,333,596, plus strand): 5'-TGGGTTGTGCCGCAGCTGCCCGCCCTCCGAGGATAGCACTTGCGGCTGCTGAGGCTGCTG[T>TGTTGC]TGCTGCTGCTGCTGCTGCTGCTGCTGCTGCTGCCGCCGCCGCTGCCCGTCGCTGGGGTCG-3'

ClinVar aggregate classification (germline): Pathogenic (1 of 4 stars; one submission).

Conditions:
POLG-related disorder. Also called: POLG-Related Spectrum Disorders; POLG-related condition; POLG-Related Disorders. Identifiers: MedGen C4763519.

Submission:

Myriad Genetics, Inc.
Classification: Pathogenic for POLG-related disorder. Last evaluated: 2026-06-12. Review status: criteria provided, single submitter. Criteria: Myriad Autosomal Dominant, Autosomal Recessive and X-Linked Classification Criteria (2023). Collection method: clinical testing. Allele origin: unknown.
Comment: NM_002693.2(POLG):c.158_159ins5(Q55Hfs*213) is expected to be pathogenic in the context of POLG-related disorders. This variant is predicted to lead to an abnormal or absent protein product due to the creation of a premature termination codon in POLG, a gene where loss-of-function variants are known to be pathogenic. Please note: this variant was assessed in the context of healthy population screening.